The following is an entry in ClinVar:

NM_001370259.2(MEN1):c.59T>G (p.Val20Gly)

Gene: MEN1 (menin 1; minus strand). Cytogenetic location: 11q13.1.
Variant type: single nucleotide variant.
Coding change: c.59T>G on transcript NM_001370259.2 (MANE Select); coding-DNA position 59, T replaced by G.
Protein change: p.Val20Gly; replaces valine 20 with glycine.
Molecular consequence: missense variant. On other transcripts: non-coding transcript variant (4).
Genome position (GRCh38, 1-based): chr11:64,810,051, A>C on the plus strand (T>G on the coding strand, the complement: MEN1 is on the minus strand). VCF-style: chr11-64810051-A-C. GRCh37 (hg19) VCF-style: chr11-64577523-A-C.
Other names: c.59T>G, p.Val20Gly (NM_000244.4, NM_001370251.2, NM_001370260.2 and 20 more transcripts); short protein forms V20G.
Identifiers: ClinVar variation 2767855 (VCV002767855.3), dbSNP rs2497288497, ClinGen allele CA381188120.

ClinVar aggregate classification (germline): Uncertain significance (1 of 4 stars; one submission).

Conditions:
Multiple endocrine neoplasia, type 1 (MEN1). Also called: MEA I; MEN I; WERMER SYNDROME; Endocrine adenomatosis multiple; MEN 1. Identifiers: Orphanet 652, MedGen C0025267, MeSH D018761, MONDO:0007540, OMIM 131100.

Submission:

Labcorp Genetics (formerly Invitae), Labcorp
Classification: Uncertain significance for Multiple endocrine neoplasia, type 1. Last evaluated: 2023-10-13. Review status: criteria provided, single submitter. Criteria: Invitae Variant Classification Sherloc (09022015). Collection method: clinical testing. Allele origin: germline.
Comment: This sequence change replaces valine, which is neutral and non-polar, with glycine, which is neutral and non-polar, at codon 20 of the MEN1 protein (p.Val20Gly). This variant is not present in population databases (gnomAD no frequency). This variant has not been reported in the literature in individuals affected with MEN1-related conditions. Advanced modeling of protein sequence and biophysical properties (such as structural, functional, and spatial information, amino acid conservation, physicochemical variation, residue mobility, and thermodynamic stability) performed at Invitae indicates that this missense variant is expected to disrupt MEN1 protein function. In summary, the available evidence is currently insufficient to determine the role of this variant in disease. Therefore, it has been classified as a Variant of Uncertain Significance.